The following is an entry in ClinVar:

ClinVar aggregate classification (germline): Conflicting classifications of pathogenicity. Review status: criteria provided, conflicting classifications (1 of 4 stars). 5 submissions from 5 submitters: Uncertain significance (1); Likely benign (4). Last evaluated 2026-01-16.

Conditions:
Generalized epilepsy-paroxysmal dyskinesia syndrome (PNKD3). Also called: Paroxysmal nonkinesigenic dyskinesia, 3, with or without generalized epilepsy; Generalized epilepsy and paroxysmal dyskinesia. Identifiers: Orphanet 79137, MedGen C5574945, MONDO:0012276, OMIM 609446.

Allele frequency attached by ClinVar (database versions not stated): gnomAD exomes 0.00013 and 0.00025; ESP Exome Variant Server 0.00046; ExAC 0.00014; TOPMed 0.00016; gnomAD 0.00018 and 0.00019.
gnomAD v4.1: 395 of 1,613,472 alleles (0.024%); highest among the groups gnomAD compares: Non-Finnish European, 0.031%; no homozygotes.

Submissions (5):

Labcorp Genetics (formerly Invitae), Labcorp
Classification: Likely benign for Generalized epilepsy-paroxysmal dyskinesia syndrome. Last evaluated: 2026-01-16. Review status: criteria provided, single submitter. Criteria: Invitae Variant Classification Sherloc (09022015). Collection method: clinical testing. Allele origin: germline.

CeGaT Center for Human Genetics Tuebingen
Classification: Likely benign. Last evaluated: 2026-01-01. Review status: criteria provided, single submitter. Criteria: CeGaT Center For Human Genetics Tuebingen Variant Classification Criteria Version 2. Collection method: clinical testing. Allele origin: germline. Affected: yes. Observed: 3 variant alleles.
Comment: KCNMA1: BP4, BP7

Blueprint Genetics
Classification: Likely benign. Last evaluated: 2024-11-25. Review status: criteria provided, single submitter. Criteria: ACMG Guidelines, 2015. Collection method: clinical testing. Allele origin: germline.

GeneDx
Classification: Likely benign. Last evaluated: 2020-12-07. Review status: criteria provided, single submitter. Criteria: GeneDx Variant Classification Process June 2021. Collection method: clinical testing. Allele origin: germline. Affected: yes.

Illumina Laboratory Services, Illumina
Classification: Uncertain significance for Generalized epilepsy-paroxysmal dyskinesia syndrome. Last evaluated: 2018-01-13. Review status: criteria provided, single submitter. Criteria: ICSL Variant Classification Criteria 13 December 2019. Collection method: clinical testing. Allele origin: germline.

NM_001161352.2(KCNMA1):c.2946C>T (p.Ser982=)

Genes: KCNMA1 (potassium calcium-activated channel subfamily M alpha 1; minus strand), KCNMA1-AS1 (KCNMA1 antisense RNA 1; plus strand). Cytogenetic location: 10q22.3.
Variant type: single nucleotide variant.
Coding change: c.2946C>T on transcript NM_001161352.2 (MANE Select); coding-DNA position 2946, C replaced by T.
Protein change: p.Ser982=; no amino-acid change (serine 982 retained).
Molecular consequence: synonymous variant.
Genome position (GRCh38, 1-based): chr10:76,915,006, G>A on the plus strand (C>T on the coding strand, the complement: KCNMA1 is on the minus strand). VCF-style: chr10-76915006-G-A. GRCh37 (hg19) VCF-style: chr10-78674764-G-A.
Other names: c.2784C>T, p.Ser928= (NM_001014797.3, NM_001322835.2, NM_001322837.2); c.2895C>T, p.Ser965= (NM_001161353.2); c.2622C>T, p.Ser874= (NM_001271518.2); c.2781C>T, p.Ser927= (NM_001271519.2, NM_001322829.2, NM_001322836.2); c.2793C>T, p.Ser931= (NM_001322830.2); c.2772C>T, p.Ser924= (NM_001322832.2, NM_002247.4); c.2319C>T, p.Ser773= (NM_001322838.2).
Identifiers: ClinVar variation 733308 (VCV000733308.43), dbSNP rs74699271, ClinGen allele CA5567954.